The following is an entry in ClinVar:

ClinVar aggregate classification (germline): Conflicting classifications of pathogenicity. Review status: criteria provided, conflicting classifications (1 of 4 stars). 7 submissions from 7 submitters: Uncertain significance (5); Likely benign (2). Last evaluated 2026-01-18.

Conditions:
ALPK3-related disorder. Also called: ALPK3-related condition.
Cardiovascular phenotype. Identifiers: MedGen CN230736.

Allele frequency attached by ClinVar (database versions not stated): gnomAD exomes 0.00002 and 0.00006; ExAC 0.00010; gnomAD 0.00023 and 0.00024; TOPMed 0.00027; ESP Exome Variant Server 0.00046.

Submissions (7):

Labcorp Genetics (formerly Invitae), Labcorp
Classification: Uncertain significance. Last evaluated: 2026-01-18. Review status: criteria provided, single submitter. Criteria: Invitae Variant Classification Sherloc (09022015). Collection method: clinical testing. Allele origin: germline.
Comment: This sequence change replaces methionine, which is neutral and non-polar, with valine, which is neutral and non-polar, at codon 1588 of the ALPK3 protein (p.Met1588Val). This variant is present in population databases (rs149627415, gnomAD 0.06%). This variant has not been reported in the literature in individuals affected with ALPK3-related conditions. ClinVar contains an entry for this variant (Variation ID: 1430999). Invitae Evidence Modeling of protein sequence and biophysical properties (such as structural, functional, and spatial information, amino acid conservation, physicochemical variation, residue mobility, and thermodynamic stability) indicates that this missense variant is expected to disrupt ALPK3 protein function with a positive predictive value of 80%. In summary, the available evidence is currently insufficient to determine the role of this variant in disease. Therefore, it has been classified as a Variant of Uncertain Significance.

PreventionGenetics, part of Exact Sciences
Classification: Uncertain significance for ALPK3-related condition. Last evaluated: 2026-01-06. Review status: criteria provided, single submitter. Criteria: ACMG Guidelines, 2015. Collection method: clinical testing. Allele origin: germline.
Comment: The ALPK3 c.4762A>G variant is predicted to result in the amino acid substitution p.Met1588Val. To our knowledge, this variant has not been reported in the literature. This variant is reported in 0.060% of alleles in individuals of African descent in gnomAD. Although we suspect that this variant may be benign, at this time, the clinical significance of this variant is uncertain due to the absence of conclusive functional and genetic evidence.

Molecular Diagnostic Laboratory for Inherited Cardiovascular Disease, Montreal Heart Institute
Classification: Likely benign. Last evaluated: 2025-04-09. Review status: criteria provided, single submitter. Criteria: ACMG Guidelines, 2015. Collection method: clinical testing. Allele origin: germline. Affected: no.
Comment: BS1, BP1

Blueprint Genetics
Classification: Uncertain significance. Last evaluated: 2024-10-15. Review status: criteria provided, single submitter. Criteria: ACMG Guidelines, 2015. Collection method: clinical testing. Allele origin: germline.

Ambry Genetics
Classification: Likely benign for Cardiovascular phenotype. Last evaluated: 2024-08-22. Review status: criteria provided, single submitter. Criteria: Ambry Variant Classification Scheme 2023. Collection method: clinical testing. Allele origin: germline.

Mayo Clinic Laboratories, Mayo Clinic
Classification: Uncertain significance. Last evaluated: 2023-12-12. Review status: criteria provided, single submitter. Criteria: ACMG Guidelines, 2015. Collection method: clinical testing. Allele origin: germline. Observed: 3 variant alleles.
Comment: BP4

GeneDx
Classification: Uncertain significance. Last evaluated: 2023-02-07. Review status: criteria provided, single submitter. Criteria: GeneDx Variant Classification Process June 2021. Collection method: clinical testing. Allele origin: germline. Affected: yes.
Comment: Has not been previously published as pathogenic or benign to our knowledge; In silico analysis supports that this missense variant has a deleterious effect on protein structure/function

NM_020778.5(ALPK3):c.4156A>G (p.Met1386Val)

Gene: ALPK3 (alpha kinase 3; plus strand). Cytogenetic location: 15q25.3.
Variant type: single nucleotide variant.
Coding change: c.4156A>G on transcript NM_020778.5 (MANE Select); coding-DNA position 4156, A replaced by G.
Protein change: p.Met1386Val; replaces methionine 1386 with valine.
Molecular consequence: missense variant.
Genome position (GRCh38, 1-based): chr15:84,862,661, A>G. VCF-style: chr15-84862661-A-G. GRCh37 (hg19) VCF-style: chr15-85405892-A-G.
Other names: p.Met1588Val; short protein forms M1386V.
Identifiers: ClinVar variation 1430999 (VCV001430999.13), dbSNP rs149627415, ClinGen allele CA7709884.
Genomic context (GRCh38, chr15:84,862,661, plus strand): 5'-CCTGGTCTCCCACATTTCTCCTGTTCCCCTTCAGTTGGAGAAGAGATTGAGATGACCCCT[A>G]TGGTGTTTGCTAAGGGTCTGGCTGACTCTGGCTGCTGGGGGGACAAGCTCTTTGGGCGAC-3'
Protein context (NP_065829.4, residues 1376-1396): EVGEEIEMTP[Met1386Val]VFAKGLADSG